The following is an entry in ClinVar:

ClinVar aggregate classification (germline): Benign/Likely benign. Review status: criteria provided, multiple submitters, no conflicts (2 of 4 stars). 7 submissions from 7 submitters: Benign (2); Likely benign (5). Last evaluated 2026-03-05.

Conditions:
LRP2-related disorder. Also called: LRP2-related condition.
Inborn genetic diseases. Identifiers: MedGen C0950123, MeSH D030342.
Donnai-Barrow syndrome. Also called: DBS/FOAR SYNDROME; FACIOOCULOACOUSTICORENAL SYNDROME. Identifiers: Orphanet 2143, MedGen C1857277, MONDO:0009104, OMIM 222448.

Allele frequency attached by ClinVar (database versions not stated): gnomAD exomes 0.00006 and 0.00019; ExAC 0.00030; gnomAD 0.00068 and 0.00073; ESP Exome Variant Server 0.00069; 1000 Genomes Project 30x 0.00094; TOPMed 0.00099; 1000 Genomes Project 0.00120.
gnomAD v4.1: 195 of 1,614,250 alleles (0.012%); highest among the groups gnomAD compares: African/African-American, 0.21%; no homozygotes.

Submissions (7):

PreventionGenetics, part of Exact Sciences
Classification: Likely benign for LRP2-related condition. Last evaluated: 2026-03-05. Review status: criteria provided, single submitter. Criteria: ACMG Guidelines, 2015. Collection method: clinical testing. Allele origin: germline.
Comment: This variant is classified as likely benign based on ACMG/AMP sequence variant interpretation guidelines (Richards et al. 2015 PMID: 25741868, with internal and published modifications).

Labcorp Genetics (formerly Invitae), Labcorp
Classification: Benign. Last evaluated: 2026-01-20. Review status: criteria provided, single submitter. Criteria: Invitae Variant Classification Sherloc (09022015). Collection method: clinical testing. Allele origin: germline.

Blueprint Genetics
Classification: Likely benign. Last evaluated: 2024-11-06. Review status: criteria provided, single submitter. Criteria: ACMG Guidelines, 2015. Collection method: clinical testing. Allele origin: germline.

Fulgent Genetics
Classification: Likely benign for Donnai-Barrow syndrome. Last evaluated: 2022-05-23. Review status: criteria provided, single submitter. Criteria: ACMG Guidelines, 2015. Collection method: clinical testing. Allele origin: unknown.

Ambry Genetics
Classification: Likely benign for Inborn genetic diseases. Last evaluated: 2022-01-19. Review status: criteria provided, single submitter. Criteria: Ambry Variant Classification Scheme 2023. Collection method: clinical testing. Allele origin: germline.

Genome-Nilou Lab
Classification: Benign for Donnai-Barrow syndrome. Last evaluated: 2021-07-15. Review status: criteria provided, single submitter. Criteria: ACMG Guidelines, 2015. Collection method: clinical testing. Allele origin: germline. Affected: no.

Eurofins Ntd Llc (ga)
Classification: Likely benign. Last evaluated: 2018-05-16. Review status: criteria provided, single submitter. Criteria: EGL ClinVar v180209 classification definitions. Collection method: clinical testing. Allele origin: germline. Observed: 1 variant allele, 1 heterozygote.

NM_004525.3(LRP2):c.3311A>G (p.His1104Arg)

Gene: LRP2 (LDL receptor related protein 2; minus strand). Cytogenetic location: 2q31.1.
Variant type: single nucleotide variant.
Coding change: c.3311A>G on transcript NM_004525.3 (MANE Select); coding-DNA position 3311, A replaced by G.
Protein change: p.His1104Arg; replaces histidine 1104 with arginine.
Molecular consequence: missense variant.
Genome position (GRCh38, 1-based): chr2:169,244,812, T>C on the plus strand (A>G on the coding strand, the complement: LRP2 is on the minus strand). VCF-style: chr2-169244812-T-C. GRCh37 (hg19) VCF-style: chr2-170101322-T-C.
Other names: c.3311A>G (NM_004525.2); short protein forms H1104R.
Identifiers: ClinVar variation 597281 (VCV000597281.19), dbSNP rs144906000, ClinGen allele CA1955061.